The following is an entry in ClinVar:

NM_052876.4(NACC1):c.125A>G (p.Lys42Arg)

Gene: NACC1 (nucleus accumbens associated 1; plus strand). Cytogenetic location: 19p13.13.
Variant type: single nucleotide variant.
Coding change: c.125A>G on transcript NM_052876.4 (MANE Select); coding-DNA position 125, A replaced by G.
Protein change: p.Lys42Arg; replaces lysine 42 with arginine.
Molecular consequence: missense variant.
Genome position (GRCh38, 1-based): chr19:13,135,332, A>G. VCF-style: chr19-13135332-A-G. GRCh37 (hg19) VCF-style: chr19-13246146-A-G.
Other names: short protein forms K42R.
Identifiers: ClinVar variation 1389649 (VCV001389649.7), dbSNP rs2145623030, ClinGen allele CA404324333.
Genomic context (GRCh38, chr19:13,135,332, plus strand): 5'-AACAGCGGCTGCAGGGCCTGTACTGTGACGTGTCAGTGGTGGTCAAGGGCCATGCCTTCA[A>G]GGCCCACCGGGCCGTGCTTGCTGCCAGCAGCTCCTACTTCCGGGACCTGTTCAACAACAG-3'
Protein context (NP_443108.1, residues 32-52): VSVVVKGHAF[Lys42Arg]AHRAVLAASS

ClinVar aggregate classification (germline): Conflicting classifications of pathogenicity. Review status: criteria provided, conflicting classifications (1 of 4 stars). 2 submissions from 2 submitters: Uncertain significance (1); Likely benign (1). Last evaluated 2024-09-20.

Conditions:
Neurodevelopmental disorder with epilepsy, cataracts, feeding difficulties, and delayed brain myelination (NECFM). Identifiers: Orphanet 500545, MedGen C4479333, MONDO:0044306, OMIM 617393.

Submissions (2):

3billion
Classification: Likely benign for Neurodevelopmental disorder with epilepsy, cataracts, feeding difficulties, and delayed brain myelination. Last evaluated: 2024-09-20. Review status: criteria provided, single submitter. Criteria: ACMG Guidelines, 2015. Collection method: clinical testing. Allele origin: germline. Affected: no.
Comment: The variant was identified in at least one patient who was diagnosed with a different variant in another gene and showed no symptoms related to the gene containing the variant in question.

Labcorp Genetics (formerly Invitae), Labcorp
Classification: Uncertain significance. Last evaluated: 2022-11-15. Review status: criteria provided, single submitter. Criteria: Invitae Variant Classification Sherloc (09022015). Collection method: clinical testing. Allele origin: germline.
Comment: This sequence change replaces lysine, which is basic and polar, with arginine, which is basic and polar, at codon 42 of the NACC1 protein (p.Lys42Arg). This variant is not present in population databases (gnomAD no frequency). This variant has not been reported in the literature in individuals affected with NACC1-related conditions. ClinVar contains an entry for this variant (Variation ID: 1389649). Advanced modeling of protein sequence and biophysical properties (such as structural, functional, and spatial information, amino acid conservation, physicochemical variation, residue mobility, and thermodynamic stability) performed at Invitae indicates that this missense variant is not expected to disrupt NACC1 protein function. In summary, the available evidence is currently insufficient to determine the role of this variant in disease. Therefore, it has been classified as a Variant of Uncertain Significance.